The following is an entry in ClinVar:

ClinVar aggregate classification (germline): Uncertain significance. Review status: criteria provided, single submitter (1 of 4 stars). 2 submissions from 2 submitters: Uncertain significance (1). 1 of the submissions does not count toward it. Last evaluated 2025-08-10.

Conditions:
KSR2-related disorder. Also called: KSR2-related condition.

gnomAD v4.1: 29 of 1,613,656 alleles (0.0018%); highest among the groups gnomAD compares: South Asian, 0.0033%; no homozygotes.

Submissions (2):

Ambry Genetics
Classification: Uncertain significance. Last evaluated: 2025-08-10. Review status: criteria provided, single submitter. Criteria: Ambry Variant Classification Scheme 2023. Collection method: clinical testing. Allele origin: germline.

PreventionGenetics, part of Exact Sciences
Classification: Uncertain significance for KSR2-related condition. Last evaluated: 2024-09-27. Review status: no assertion criteria provided. Collection method: clinical testing. Allele origin: germline. Not counted in ClinVar's aggregate classification.
Comment: The KSR2 c.164C>T variant is predicted to result in the amino acid substitution p.Ala55Val. To our knowledge, this variant has not been reported in the literature or in a large population database, indicating this variant is rare. At this time, the clinical significance of this variant is uncertain due to the absence of conclusive functional and genetic evidence.

NM_173598.6(KSR2):c.251C>T (p.Ala84Val)

Gene: KSR2 (kinase suppressor of ras 2; minus strand). Cytogenetic location: 12q24.23.
Variant type: single nucleotide variant.
Coding change: c.251C>T on transcript NM_173598.6 (MANE Select); coding-DNA position 251, C replaced by T.
Protein change: p.Ala84Val; replaces alanine 84 with valine.
Molecular consequence: missense variant.
Genome position (GRCh38, 1-based): chr12:117,860,361, G>A on the plus strand (C>T on the coding strand, the complement: KSR2 is on the minus strand). VCF-style: chr12-117860361-G-A. GRCh37 (hg19) VCF-style: chr12-118298166-G-A.
Other names: short protein forms A84V.
Identifiers: ClinVar variation 3350816 (VCV003350816.2).